The following is an entry in ClinVar:

ClinVar aggregate classification (germline): Uncertain significance. Review status: criteria provided, multiple submitters, no conflicts (2 of 4 stars). 2 submissions from 2 submitters: Uncertain significance (2). Last evaluated 2024-07-25.

Conditions:
Juvenile polyposis syndrome (JPS). Identifiers: Orphanet 2929, MedGen C0345893, MONDO:0017380, OMIM 174900.
Hereditary cancer-predisposing syndrome. Also called: Hereditary neoplastic syndrome; Tumor predisposition; Neoplastic Syndromes, Hereditary; Hereditary Cancer Syndrome. Identifiers: Orphanet 140162, MedGen C0027672, MeSH D009386, MONDO:0015356.

Submissions (2):

Ambry Genetics
Classification: Uncertain significance for Hereditary cancer-predisposing syndrome. Last evaluated: 2024-07-25. Review status: criteria provided, single submitter. Criteria: Ambry Variant Classification Scheme 2023. Collection method: clinical testing. Allele origin: germline.
Comment: The p.T55A variant (also known as c.163A>G), located in coding exon 2 of the BMPR1A gene, results from an A to G substitution at nucleotide position 163. The threonine at codon 55 is replaced by alanine, an amino acid with similar properties. This amino acid position is well conserved in available vertebrate species. In addition, this alteration is predicted to be tolerated by in silico analysis. Since supporting evidence is limited at this time, the clinical significance of this alteration remains unclear.

Labcorp Genetics (formerly Invitae), Labcorp
Classification: Uncertain significance for Juvenile polyposis syndrome. Last evaluated: 2024-05-09. Review status: criteria provided, single submitter. Criteria: Invitae Variant Classification Sherloc (09022015). Collection method: clinical testing. Allele origin: germline.
Comment: This sequence change replaces threonine, which is neutral and polar, with alanine, which is neutral and non-polar, at codon 55 of the BMPR1A protein (p.Thr55Ala). This variant is not present in population databases (gnomAD no frequency). This variant has not been reported in the literature in individuals affected with BMPR1A-related conditions. ClinVar contains an entry for this variant (Variation ID: 960663). Advanced modeling of protein sequence and biophysical properties (such as structural, functional, and spatial information, amino acid conservation, physicochemical variation, residue mobility, and thermodynamic stability) has been performed at Invitae for this missense variant, however the output from this modeling did not meet the statistical confidence thresholds required to predict the impact of this variant on BMPR1A protein function. In summary, the available evidence is currently insufficient to determine the role of this variant in disease. Therefore, it has been classified as a Variant of Uncertain Significance.

NM_004329.3(BMPR1A):c.163A>G (p.Thr55Ala)

Gene: BMPR1A (bone morphogenetic protein receptor type 1A; plus strand). Cytogenetic location: 10q23.2.
Variant type: single nucleotide variant.
Coding change: c.163A>G on transcript NM_004329.3 (MANE Select); coding-DNA position 163, A replaced by G.
Protein change: p.Thr55Ala; replaces threonine 55 with alanine.
Molecular consequence: missense variant.
Genome position (GRCh38, 1-based): chr10:86,890,157, A>G. VCF-style: chr10-86890157-A-G. GRCh37 (hg19) VCF-style: chr10-88649914-A-G.
Other names: short protein forms T55A.
Identifiers: ClinVar variation 960663 (VCV000960663.13), dbSNP rs1843126824, ClinGen allele CA377446775.